The following is an entry in ClinVar:

NM_020184.4(CNNM4):c.1448A>T (p.Glu483Val)

Gene: CNNM4 (cyclin and CBS domain divalent metal cation transport mediator 4; plus strand). Cytogenetic location: 2q11.2.
Variant type: single nucleotide variant.
Coding change: c.1448A>T on transcript NM_020184.4 (MANE Select); coding-DNA position 1448, A replaced by T.
Protein change: p.Glu483Val; replaces glutamic acid 483 with valine.
Molecular consequence: missense variant.
Genome position (GRCh38, 1-based): chr2:96,797,057, A>T. VCF-style: chr2-96797057-A-T. GRCh37 (hg19) VCF-style: chr2-97462794-A-T.
Other names: short protein forms E483V.
Identifiers: ClinVar variation 965684 (VCV000965684.8), dbSNP rs2079110220, ClinGen allele CA347702310.

ClinVar aggregate classification (germline): Uncertain significance (1 of 4 stars; one submission).

Submission:

Labcorp Genetics (formerly Invitae), Labcorp
Classification: Uncertain significance. Last evaluated: 2019-11-05. Review status: criteria provided, single submitter. Criteria: Invitae Variant Classification Sherloc (09022015). Collection method: clinical testing. Allele origin: germline.
Comment: This sequence change replaces glutamic acid with valine at codon 483 of the CNNM4 protein (p.Glu483Val). The glutamic acid residue is highly conserved and there is a moderate physicochemical difference between glutamic acid and valine. This variant is not present in population databases (ExAC no frequency). This variant has not been reported in the literature in individuals with CNNM4-related conditions. Algorithms developed to predict the effect of missense changes on protein structure and function are either unavailable or do not agree on the potential impact of this missense change (SIFT: "Deleterious"; PolyPhen-2: "Possibly Damaging"; Align-GVGD: "Class C15"). In summary, the available evidence is currently insufficient to determine the role of this variant in disease. Therefore, it has been classified as a Variant of Uncertain Significance.